The following is an entry in ClinVar:

NC_012920.1(MT-CO1):m.6526T>C

Gene: MT-CO1 (mitochondrially encoded cytochrome c oxidase I; plus strand).
Variant type: single nucleotide variant.
Genome position: chrM-6526-T-C.
Identifiers: ClinVar variation 692657 (VCV000692657.2), dbSNP rs1603220522, ClinGen allele CA414784550.

ClinVar aggregate classification (germline): Uncertain significance. Review status: reviewed by expert panel (3 of 4 stars). 2 submissions from 2 submitters: Uncertain significance (1). 1 of the submissions does not count toward it. Last evaluated 2024-10-28.

Conditions:
Leigh syndrome (NULS). Also called: Leigh's syndrome; Leigh Disease; Subacute necrotizing encephalopathy; Necrotizing encephalopathy infantile subacute of Leigh; LEIGH SYNDROME, NUCLEAR; Leigh's necrotizing encephalopathy. Identifiers: Orphanet 506, MedGen C2931891, MONDO:0009723, OMIM 256000.
Mitochondrial disease. Also called: Mitochondrial disorder; Mitochondrial disorders. Identifiers: Orphanet 68380, MedGen C0751651, MeSH D028361, MONDO:0044970.

Submissions (2):

ClinGen Mitochondrial Disease Nuclear and Mitochondrial  Variant Curation Expert Panel, ClinGen
Classification: Uncertain significance for Mitochondrial disease. Last evaluated: 2024-10-28. Review status: reviewed by expert panel. Criteria: clingen mito disease acmg specifications v1-1. Collection method: curation. Allele origin: germline. Inheritance: Mitochondrial inheritance.
Comment: The m.6526T>C (p.Met208Thr) variant in MT-CO1 has been reported in one individual with primary mitochondrial disease to date, with features of developmental delay, hypotonia, and myopathy (PMID: 32652755). The variant was present at 86.6% heteroplasmy in skeletal muscle. This variant is absent in the MITOMAP GenBank dataset, gnomAD v3.1.2, and the Helix dataset (PM2_supporting). The computational predictor APOGEE gives a consensus rating of pathogenic with a score of 0.550 (Min=0, Max=1), which predicts a damaging effect on gene function (PP3). There are no cybrids, single fiber studies, or other functional assays reported on this variant. In summary, this variant meets criteria to be classified as uncertain significance for primary mitochondrial disease inherited in a mitochondrial manner. This classification was approved by the NICHD/NINDS U24 ClinGen Mitochondrial Disease Variant Curation Expert Panel on October 28, 2024. Mitochondrial DNA-specific ACMG/AMP criteria applied (PMID: 32906214): PM2_supporting, PP3.

Wong Mito Lab, Molecular and Human Genetics, Baylor College of Medicine
Classification: Likely pathogenic for Leigh syndrome. Last evaluated: 2019-10-17. Review status: criteria provided, single submitter. Criteria: Modified ACMG Guidelines (Unpublished). Collection method: clinical testing. Allele origin: germline. Not counted in ClinVar's aggregate classification.
Comment: The NC_012920.1:m.6526T>C (YP_003024028.1:p.Met208Thr) variant in MTCO1 gene is interpretated to be a Likely Pathogenic variant based on the modified ACMG guidelines (unpublished). This variant meets the following evidence codes: PM10, PP3, PP4, PP6, PP7